The following is an entry in ClinVar:

ClinVar aggregate classification (germline): Uncertain significance (1 of 4 stars; one submission).

Allele frequency attached by ClinVar (database versions not stated): ExAC 0.00001; gnomAD 0.00001; TOPMed 0.00001; gnomAD exomes 0.00002.
gnomAD v4.1: 26 of 1,612,014 alleles (0.0016%); highest among the groups gnomAD compares: Non-Finnish European, 0.0022%; no homozygotes.

Submission:

Ambry Genetics
Classification: Uncertain significance. Last evaluated: 2024-11-24. Review status: criteria provided, single submitter. Criteria: Ambry Variant Classification Scheme 2023. Collection method: clinical testing. Allele origin: germline.
Comment: The p.V1542G variant (also known as c.4625T>G), located in coding exon 19 of the WNK2 gene, results from a T to G substitution at nucleotide position 4625. The valine at codon 1542 is replaced by glycine, an amino acid with dissimilar properties. This amino acid position is conserved. In addition, this alteration is predicted to be tolerated by in silico analysis. Based on the available evidence, the clinical significance of this variant remains unclear.

NM_006648.4(WNK2):c.4625T>G (p.Val1542Gly)

Gene: WNK2 (WNK lysine deficient protein kinase 2; plus strand). Cytogenetic location: 9q22.31.
Variant type: single nucleotide variant.
Coding change: c.4625T>G on transcript NM_006648.4 (MANE Select); coding-DNA position 4625, T replaced by G.
Protein change: p.Val1542Gly; replaces valine 1542 with glycine.
Molecular consequence: missense variant.
Genome position (GRCh38, 1-based): chr9:93,289,379, T>G. VCF-style: chr9-93289379-T-G. GRCh37 (hg19) VCF-style: chr9-96051661-T-G.
Other names: c.4736T>G, p.Val1579Gly (NM_001282394.3); short protein forms V1579G, V1542G.
Identifiers: ClinVar variation 2282292 (VCV002282292.3), dbSNP rs767683269, ClinGen allele CA5130372.